The following is an entry in ClinVar:

NM_001184900.3(CARD8):c.797T>G (p.Phe266Cys)

Gene: CARD8 (caspase recruitment domain family member 8; minus strand). Cytogenetic location: 19q13.33.
Variant type: single nucleotide variant.
Coding change: c.797T>G on transcript NM_001184900.3 (MANE Select); coding-DNA position 797, T replaced by G.
Protein change: p.Phe266Cys; replaces phenylalanine 266 with cysteine.
Molecular consequence: missense variant. On other transcripts: non-coding transcript variant (4).
Genome position (GRCh38, 1-based): chr19:48,230,676, A>C on the plus strand (T>G on the coding strand, the complement: CARD8 is on the minus strand). VCF-style: chr19-48230676-A-C. GRCh37 (hg19) VCF-style: chr19-48733933-A-C.
Other names: c.647T>G, p.Phe216Cys (NM_001184901.1, NM_001351783.2, NM_001351788.2 and 2 more transcripts); c.797T>G, p.Phe266Cys (NM_001184902.2, NM_001184903.1, NM_001351782.2); c.482T>G, p.Phe161Cys (NM_001351784.2, NM_001351787.2, NM_001351791.2 and 1 more transcripts); c.461T>G, p.Phe154Cys (NM_001351786.2); c.554T>G, p.Phe185Cys (NM_001351790.2); c.479T>G, p.Phe160Cys (NM_001365950.1); short protein forms F154C, F185C, F216C, F266C, F160C, F161C.
Identifiers: ClinVar variation 2061187 (VCV002061187.4), dbSNP rs780417861, ClinGen allele CA9547900.

ClinVar aggregate classification (germline): Uncertain significance (1 of 4 stars; one submission).

Allele frequency attached by ClinVar (database versions not stated): ExAC 0.00002; gnomAD exomes 0.00001; gnomAD 0.00001.
gnomAD v4.1: 11 of 1,613,852 alleles (0.00068%); highest among the groups gnomAD compares: Non-Finnish European, 0.00085%; no homozygotes.

Submission:

Labcorp Genetics (formerly Invitae), Labcorp
Classification: Uncertain significance. Last evaluated: 2024-10-03. Review status: criteria provided, single submitter. Criteria: Invitae Variant Classification Sherloc (09022015). Collection method: clinical testing. Allele origin: germline.
Comment: This sequence change replaces phenylalanine, which is neutral and non-polar, with cysteine, which is neutral and slightly polar, at codon 216 of the CARD8 protein (p.Phe216Cys). This variant is present in population databases (rs780417861, gnomAD 0.002%). This variant has not been reported in the literature in individuals affected with CARD8-related conditions. ClinVar contains an entry for this variant (Variation ID: 2061187). An algorithm developed to predict the effect of missense changes on protein structure and function (PolyPhen-2) suggests that this variant is likely to be disruptive. In summary, the available evidence is currently insufficient to determine the role of this variant in disease. Therefore, it has been classified as a Variant of Uncertain Significance.